The following is an entry in ClinVar:

ClinVar aggregate classification (germline): Likely pathogenic (0 of 4 stars; one submission).

Conditions:
SRRM2-related disorder. Also called: SRRM2-related condition.

Allele frequency attached by ClinVar (database versions not stated): gnomAD exomes below 0.00001.
gnomAD v4.1: 2 of 1,614,202 alleles (0.00012%); highest among the groups gnomAD compares: Non-Finnish European, 0.00017%; no homozygotes.

Submission:

PreventionGenetics, part of Exact Sciences
Classification: Likely pathogenic for SRRM2-related condition. Last evaluated: 2024-04-09. Review status: no assertion criteria provided. Collection method: clinical testing. Allele origin: germline.
Comment: The SRRM2 c.5996C>T variant is predicted to result in the amino acid substitution p.Ser1999Phe. To our knowledge, this variant has not been reported in the literature or in a large population database, indicating this variant is rare. This variant is interpreted as likely pathogenic.

NM_016333.4(SRRM2):c.5996C>T (p.Ser1999Phe)

Gene: SRRM2 (serine/arginine repetitive matrix 2; plus strand). Cytogenetic location: 16p13.3.
Variant type: single nucleotide variant.
Coding change: c.5996C>T on transcript NM_016333.4 (MANE Select); coding-DNA position 5996, C replaced by T.
Protein change: p.Ser1999Phe; replaces serine 1999 with phenylalanine.
Molecular consequence: missense variant.
Genome position (GRCh38, 1-based): chr16:2,766,524, C>T. VCF-style: chr16-2766524-C-T. GRCh37 (hg19) VCF-style: chr16-2816525-C-T.
Other names: short protein forms S1999F.
Identifiers: ClinVar variation 2636260 (VCV002636260.2), dbSNP rs1188022140, ClinGen allele CA394424853.